The following is an entry in ClinVar:

NM_001365951.3(KIF1B):c.3713T>C (p.Met1238Thr)

Gene: KIF1B (kinesin family member 1B; plus strand). Cytogenetic location: 1p36.22.
Variant type: single nucleotide variant.
Coding change: c.3713T>C on transcript NM_001365951.3 (MANE Select); coding-DNA position 3713, T replaced by C.
Protein change: p.Met1238Thr; replaces methionine 1238 with threonine.
Molecular consequence: missense variant.
Genome position (GRCh38, 1-based): chr1:10,345,869, T>C. VCF-style: chr1-10345869-T-C. GRCh37 (hg19) VCF-style: chr1-10405927-T-C.
Other names: c.3713T>C, p.Met1238Thr (NM_001365952.1); c.3575T>C, p.Met1192Thr (NM_015074.3); short protein forms M1192T, M1238T.
Identifiers: ClinVar variation 3013635 (VCV003013635.3), dbSNP rs1435195343, ClinGen allele CA338342313.

ClinVar aggregate classification (germline): Uncertain significance (1 of 4 stars; one submission).

Conditions:
Charcot-Marie-Tooth disease type 2. Also called: Charcot-Marie-Tooth type 2. Identifiers: Orphanet 64746, MedGen C0270914, MONDO:0018993.

Allele frequency attached by ClinVar (database versions not stated): gnomAD exomes below 0.00001.

Submission:

Labcorp Genetics (formerly Invitae), Labcorp
Classification: Uncertain significance for Charcot-Marie-Tooth disease type 2. Last evaluated: 2023-04-06. Review status: criteria provided, single submitter. Criteria: Invitae Variant Classification Sherloc (09022015). Collection method: clinical testing. Allele origin: germline.
Comment: In summary, the available evidence is currently insufficient to determine the role of this variant in disease. Therefore, it has been classified as a Variant of Uncertain Significance. Algorithms developed to predict the effect of sequence changes on RNA splicing suggest that this variant may create or strengthen a splice site. An algorithm developed to predict the effect of missense changes on protein structure and function (PolyPhen-2) suggests that this variant is likely to be tolerated. This variant has not been reported in the literature in individuals affected with KIF1B-related conditions. This variant is present in population databases (no rsID available, gnomAD 0.004%). This sequence change replaces methionine, which is neutral and non-polar, with threonine, which is neutral and polar, at codon 1192 of the KIF1B protein (p.Met1192Thr).